The following is an entry in ClinVar:

ClinVar aggregate classification (germline): Likely benign (1 of 4 stars; one submission).

Allele frequency attached by ClinVar (database versions not stated): gnomAD exomes 0.00023; TOPMed 0.00023; gnomAD 0.00026; ExAC 0.00044; ESP Exome Variant Server 0.00046.
gnomAD v4.1: 380 of 1,613,472 alleles (0.024%); highest among the groups gnomAD compares: Non-Finnish European, 0.028%; no homozygotes.

Submission:

CeGaT Center for Human Genetics Tuebingen
Classification: Likely benign. Last evaluated: 2022-07-01. Review status: criteria provided, single submitter. Criteria: CeGaT Center For Human Genetics Tuebingen Variant Classification Criteria Version 2. Collection method: clinical testing. Allele origin: germline. Affected: yes. Observed: 1 variant allele.
Comment: BPIFB3: BP4, BP7

NM_001376932.3(BPIFB3):c.81C>T (p.Leu27=)

Gene: BPIFB3 (BPI fold containing family B member 3; plus strand). Cytogenetic location: 20q11.21.
Variant type: single nucleotide variant.
Coding change: c.81C>T on transcript NM_001376932.3 (MANE Select); coding-DNA position 81, C replaced by T.
Protein change: p.Leu27=; no amino-acid change (leucine 27 retained).
Molecular consequence: synonymous variant.
Genome position (GRCh38, 1-based): chr20:33,055,516, C>T. VCF-style: chr20-33055516-C-T. GRCh37 (hg19) VCF-style: chr20-31643322-C-T.
Other names: c.81C>T, p.Leu27= (NM_182658.5).
Identifiers: ClinVar variation 2652262 (VCV002652262.24), dbSNP rs144150108, ClinGen allele CA9813402.